The following is an entry in ClinVar:

NM_000237.3(LPL):c.250-2A>C

Gene: LPL (lipoprotein lipase; plus strand). Cytogenetic location: 8p21.3.
Variant type: single nucleotide variant.
Coding change: c.250-2A>C on transcript NM_000237.3 (MANE Select); the canonical splice acceptor site of the intron before coding-DNA position 250, A replaced by C.
Molecular consequence: splice acceptor variant.
Genome position (GRCh38, 1-based): chr8:19,951,767, A>C. VCF-style: chr8-19951767-A-C. GRCh37 (hg19) VCF-style: chr8-19809278-A-C.
Identifiers: ClinVar variation 2843115 (VCV002843115.3), dbSNP rs2540103100, ClinGen allele CA370467289.

ClinVar aggregate classification (germline): Likely pathogenic (1 of 4 stars; one submission).

Submission:

Labcorp Genetics (formerly Invitae), Labcorp
Classification: Likely pathogenic. Last evaluated: 2023-03-04. Review status: criteria provided, single submitter. Criteria: Invitae Variant Classification Sherloc (09022015). Collection method: clinical testing. Allele origin: germline.
Comment: Algorithms developed to predict the effect of sequence changes on RNA splicing suggest that this variant may disrupt the consensus splice site. This sequence change affects an acceptor splice site in intron 2 of the LPL gene. It is expected to disrupt RNA splicing. Variants that disrupt the donor or acceptor splice site typically lead to a loss of protein function (PMID: 16199547), and loss-of-function variants in LPL are known to be pathogenic (PMID: 11334614). This variant is not present in population databases (gnomAD no frequency). This variant has not been reported in the literature in individuals affected with LPL-related conditions. In summary, the currently available evidence indicates that the variant is pathogenic, but additional data are needed to prove that conclusively. Therefore, this variant has been classified as Likely Pathogenic.

Literature cited by the submitters: PubMed 16199547; PubMed 11334614.